The following is an entry in ClinVar:

ClinVar aggregate classification (germline): Benign (1 of 4 stars; one submission).

Allele frequency attached by ClinVar (database versions not stated): gnomAD 0.00409; ESP Exome Variant Server 0.00415; 1000 Genomes Project 0.00300; 1000 Genomes Project 30x 0.00344; ExAC 0.00428; TOPMed 0.00458.
gnomAD v4.1: 7,120 of 1,597,910 alleles (0.45%); highest among the groups gnomAD compares: Middle Eastern, 1.7%; 37 homozygotes.

Submission:

CeGaT Center for Human Genetics Tuebingen
Classification: Benign. Last evaluated: 2026-06-01. Review status: criteria provided, single submitter. Criteria: CeGaT Center For Human Genetics Tuebingen Variant Classification Criteria Version 2. Collection method: clinical testing. Allele origin: germline. Affected: yes. Observed: 21 variant alleles.
Comment: CNOT3: BS1, BS2

NM_014516.4(CNOT3):c.-49G>A

Gene: CNOT3 (CCR4-NOT transcription complex subunit 3; plus strand). Cytogenetic location: 19q13.42.
Variant type: single nucleotide variant.
Coding change: c.-49G>A on transcript NM_014516.4 (MANE Select); 49 bases upstream of the start codon, G replaced by A.
Molecular consequence: 5 prime UTR variant.
Genome position (GRCh38, 1-based): chr19:54,142,930, G>A. VCF-style: chr19-54142930-G-A. GRCh37 (hg19) VCF-style: chr19-54646666-G-A.
Identifiers: ClinVar variation 1879454 (VCV001879454.29), dbSNP rs150786079, ClinGen allele CA309338161.
Genomic context (GRCh38, chr19:54,142,930, plus strand): 5'-CTCTGGGTTTTTACCAGCCAGGGAATACGTGTTAATTCCTCTCCAATCTCTCCTAGCAGC[G>A]TCCGTCTCCAAGAGAGTATGAAGAGAGTGCGTCTGTAGGGCAGGGAAGATGGCGGACAAG-3'